The following is an entry in ClinVar:

NM_015378.4(VPS13D):c.6805C>T (p.Gln2269Ter)

Gene: VPS13D (vacuolar protein sorting 13 homolog D; plus strand). Cytogenetic location: 1p36.22.
Variant type: single nucleotide variant.
Coding change: c.6805C>T on transcript NM_015378.4 (MANE Select); coding-DNA position 6805, C replaced by T.
Protein change: p.Gln2269Ter; replaces glutamine 2269 with a stop codon.
Molecular consequence: nonsense.
Genome position (GRCh38, 1-based): chr1:12,311,608, C>T. VCF-style: chr1-12311608-C-T. GRCh37 (hg19) VCF-style: chr1-12371665-C-T.
Other names: c.6805C>T, p.Gln2269Ter (NM_018156.4); short protein forms Q2269*.
Identifiers: ClinVar variation 3680876 (VCV003680876.2).

ClinVar aggregate classification (germline): Pathogenic (1 of 4 stars; one submission).

Submission:

Labcorp Genetics (formerly Invitae), Labcorp
Classification: Pathogenic. Last evaluated: 2024-05-10. Review status: criteria provided, single submitter. Criteria: Invitae Variant Classification Sherloc (09022015). Collection method: clinical testing. Allele origin: germline.
Comment: This sequence change creates a premature translational stop signal (p.Gln2269*) in the VPS13D gene. It is expected to result in an absent or disrupted protein product. Loss-of-function variants in VPS13D are known to be pathogenic (PMID: 29518281). This variant is not present in population databases (gnomAD no frequency). This variant has not been reported in the literature in individuals affected with VPS13D-related conditions. For these reasons, this variant has been classified as Pathogenic.

Literature cited by the submitters: PubMed 29518281.